The following is an entry in ClinVar:

ClinVar aggregate classification (germline): Uncertain significance. Review status: criteria provided, multiple submitters, no conflicts (2 of 4 stars). 2 submissions from 2 submitters: Uncertain significance (2). Last evaluated 2025-05-17.

Conditions:
Bloom syndrome (BLM). Also called: Bloom-Torre-Machacek syndrome. Identifiers: Orphanet 125, MedGen C0005859, MONDO:0008876, OMIM 210900.
Hereditary cancer-predisposing syndrome. Also called: Neoplastic Syndromes, Hereditary; Hereditary Cancer Syndrome; Hereditary neoplastic syndrome; Tumor predisposition. Identifiers: Orphanet 140162, MedGen C0027672, MeSH D009386, MONDO:0015356.

gnomAD v4.1: 1 of 1,610,012 alleles (0.000062%); highest among the groups gnomAD compares: Non-Finnish European, 0.000085%; no homozygotes.

Submissions (2):

Ambry Genetics
Classification: Uncertain significance for Hereditary cancer-predisposing syndrome. Last evaluated: 2025-05-17. Review status: criteria provided, single submitter. Criteria: Ambry Variant Classification Scheme 2023. Collection method: clinical testing. Allele origin: germline.
Comment: The p.H885Y variant (also known as c.2653C>T), located in coding exon 12 of the BLM gene, results from a C to T substitution at nucleotide position 2653. The histidine at codon 885 is replaced by tyrosine, an amino acid with similar properties. This amino acid position is conserved. In addition, this alteration is predicted to be tolerated by in silico analysis. Based on the available evidence, the clinical significance of this variant remains unclear.

Labcorp Genetics (formerly Invitae), Labcorp
Classification: Uncertain significance for Bloom syndrome. Last evaluated: 2021-06-19. Review status: criteria provided, single submitter. Criteria: Invitae Variant Classification Sherloc (09022015). Collection method: clinical testing. Allele origin: germline.
Comment: This sequence change replaces histidine with tyrosine at codon 885 of the BLM protein (p.His885Tyr). The histidine residue is weakly conserved and there is a moderate physicochemical difference between histidine and tyrosine. This variant is not present in population databases (ExAC no frequency). In summary, the available evidence is currently insufficient to determine the role of this variant in disease. Therefore, it has been classified as a Variant of Uncertain Significance. Algorithms developed to predict the effect of missense changes on protein structure and function output the following: SIFT: "Tolerated"; PolyPhen-2: "Benign"; Align-GVGD: "Class C0". The tyrosine amino acid residue is found in multiple mammalian species, suggesting that this missense change does not adversely affect protein function. These predictions have not been confirmed by published functional studies and their clinical significance is uncertain. This variant has not been reported in the literature in individuals with BLM-related conditions.

NM_000057.4(BLM):c.2653C>T (p.His885Tyr)

Gene: BLM (BLM RecQ like helicase; plus strand). Cytogenetic location: 15q26.1.
Variant type: single nucleotide variant.
Coding change: c.2653C>T on transcript NM_000057.4 (MANE Select); coding-DNA position 2653, C replaced by T.
Protein change: p.His885Tyr; replaces histidine 885 with tyrosine.
Molecular consequence: missense variant.
Genome position (GRCh38, 1-based): chr15:90,782,919, C>T. VCF-style: chr15-90782919-C-T. GRCh37 (hg19) VCF-style: chr15-91326149-C-T.
Other names: c.2653C>T, p.His885Tyr (NM_001287246.2, NM_001287247.2); c.1528C>T, p.His510Tyr (NM_001287248.2); c.2653C>T (NM_000057.2); short protein forms H510Y, H885Y.
Identifiers: ClinVar variation 1419034 (VCV001419034.9), dbSNP rs2151178164, ClinGen allele CA393845809.
Genomic context (GRCh38, chr15:90,782,919, plus strand): 5'-TATGTATTACCGAAAAAGCCTAAAAAGGTGGCATTTGATTGCCTAGAATGGATCAGAAAG[C>T]ACCACCCATGTGAGTACAGCCATGTGATTAGCTGTCTAGAAGTAACAAATGTCTTTTTAG-3'
Protein context (NP_000048.1, residues 875-895): AFDCLEWIRK[His885Tyr]HPYDSGIIYC